The following is an entry in ClinVar:

ClinVar aggregate classification (germline): Uncertain significance (1 of 4 stars; one submission).

Submission:

GeneDx
Classification: Uncertain significance. Last evaluated: 2019-11-12. Review status: criteria provided, single submitter. Criteria: GeneDx Variant Classification Process June 2021. Collection method: clinical testing. Allele origin: germline. Affected: yes.
Comment: Not observed in large population cohorts (Lek et al., 2016); In silico analysis, which includes protein predictors and evolutionary conservation, supports a deleterious effect; Has not been previously published as pathogenic or benign to our knowledge

NM_001077446.4(TSEN34):c.841G>A (p.Gly281Arg)

Gene: TSEN34 (tRNA splicing endonuclease subunit 34; plus strand). Cytogenetic location: 19q13.42.
Variant type: single nucleotide variant.
Coding change: c.841G>A on transcript NM_001077446.4 (MANE Select); coding-DNA position 841, G replaced by A.
Protein change: p.Gly281Arg; replaces glycine 281 with arginine.
Molecular consequence: missense variant.
Genome position (GRCh38, 1-based): chr19:54,193,270, G>A. VCF-style: chr19-54193270-G-A. GRCh37 (hg19) VCF-style: chr19-54697125-G-A.
Other names: c.841G>A, p.Gly281Arg (NM_001282332.2, NM_001282333.2, NM_001386740.1 and 1 more transcripts); short protein forms G281R.
Identifiers: ClinVar variation 429434 (VCV000429434.3), dbSNP rs1131691379, ClinGen allele CA407765928.
Genomic context (GRCh38, chr19:54,193,270, plus strand): 5'-CAGTGCTGGGCCCCTGAGGACACCATCCCACTCCAAGACCTGGTTGCTGCTGGGCGCCTT[G>A]GAACCAGCGTCAGAAAGACCCTGCTCCTCTGTTCTCCGCAGCCTGATGGTAAGGTGGTCT-3'
Protein context (NP_001070914.1, residues 271-291): LQDLVAAGRL[Gly281Arg]TSVRKTLLLC